The following is an entry in ClinVar:

NM_015910.7(WDPCP):c.282C>T (p.Asn94=)

Gene: WDPCP (WD repeat containing planar cell polarity effector; minus strand). Cytogenetic location: 2p15.
Variant type: single nucleotide variant.
Coding change: c.282C>T on transcript NM_015910.7 (MANE Select); coding-DNA position 282, C replaced by T.
Protein change: p.Asn94=; no amino-acid change (asparagine 94 retained).
Molecular consequence: synonymous variant. On other transcripts: non-coding transcript variant (2).
Genome position (GRCh38, 1-based): chr2:63,484,959, G>A on the plus strand (C>T on the coding strand, the complement: WDPCP is on the minus strand). VCF-style: chr2-63484959-G-A. GRCh37 (hg19) VCF-style: chr2-63712093-G-A.
Other names: c.210C>T, p.Asn70= (NM_001354044.2); c.282C>T, p.Asn94= (NM_001354045.2); c.282C>T (NM_015910.5).
Identifiers: ClinVar variation 1130825 (VCV001130825.10), dbSNP rs1700479284, ClinGen allele CA426387479.
Genomic context (GRCh38, chr2:63,484,959, plus strand): 5'-AAACTTTTTGAAAGATACCTCCAACTCTTTGAGCGAGTCTCGGAGTTTTTCTGGGCGTCT[G>A]TTTTTGAGCGTCCAAGGATAATCTCGTGCTGGCAAATAAAACATGTACTACAGTTAGTTA-3'
Protein context (NP_056994.3, residues 84-104): ESRDYPWTLK[Asn94=]RRPEKLRDSL

ClinVar aggregate classification (germline): Likely benign. Review status: criteria provided, multiple submitters, no conflicts (2 of 4 stars). 2 submissions from 2 submitters: Likely benign (2). Last evaluated 2024-12-14.

Conditions:
WDPCP-related disorder. Also called: WDPCP-related condition.
Bardet-Biedl syndrome (BBS). Identifiers: Orphanet 110, MedGen C0752166, MONDO:0015229.

Allele frequency attached by ClinVar (database versions not stated): gnomAD exomes below 0.00001; gnomAD 0.00001.
gnomAD v4.1: 2 of 1,612,424 alleles (0.00012%); highest among the groups gnomAD compares: Admixed American, 0.0017%; no homozygotes.

Submissions (2):

PreventionGenetics, part of Exact Sciences
Classification: Likely benign for WDPCP-related condition. Last evaluated: 2024-12-14. Review status: criteria provided, single submitter. Criteria: ACMG Guidelines, 2015. Collection method: clinical testing. Allele origin: germline.
Comment: This variant is classified as likely benign based on ACMG/AMP sequence variant interpretation guidelines (Richards et al. 2015 PMID: 25741868, with internal and published modifications).

Labcorp Genetics (formerly Invitae), Labcorp
Classification: Likely benign for Bardet-Biedl syndrome. Last evaluated: 2024-02-24. Review status: criteria provided, single submitter. Criteria: Invitae Variant Classification Sherloc (09022015). Collection method: clinical testing. Allele origin: germline.